The following is an entry in ClinVar:

ClinVar aggregate classification (germline): Uncertain significance (1 of 4 stars; one submission).

Conditions:
Macular dystrophy with or without extraocular features.

gnomAD v4.1: 48 of 1,600,504 alleles (0.003%); highest among the groups gnomAD compares: African/African-American, 0.02%; no homozygotes.

Submission:

Ophthalmic Genetics Group, Institute of Molecular and Clinical Ophthalmology Basel
Classification: Uncertain significance for Macular dystrophy with or without extraocular features. Last evaluated: 2024-12-17. Review status: criteria provided, single submitter. Criteria: ACMG Guidelines, 2015. Collection method: research. Allele origin: germline. Affected: yes. Observed: 1 variant allele.
Comment: This intronic variant was predicted by in silico tools to alter the canonical splicing of AP5Z1 by creating a new strong acceptor site, in turn leading to the shift of the reading frame and to a premature stop codon. It has a low population frequency based on gnomAD v2.1.1. Therefore, it was classified as VUS based on ACMG criteria: PM2_mod, PP3_supp.

Literature cited by the submitters: PubMed 40081374.

NM_014855.3(AP5Z1):c.180-18G>A

Gene: AP5Z1 (adaptor related protein complex 5 subunit zeta 1; plus strand). Cytogenetic location: 7p22.1.
Variant type: single nucleotide variant.
Coding change: c.180-18G>A on transcript NM_014855.3 (MANE Select); 18 bases into the intron before coding-DNA position 180, G replaced by A.
Molecular consequence: intron variant.
Genome position (GRCh38, 1-based): chr7:4,781,550, G>A. VCF-style: chr7-4781550-G-A. GRCh37 (hg19) VCF-style: chr7-4821181-G-A.
Other names: NC_000007.13:g.4821181G>A; NP_055670.1:p.?; c.-103+238G>A (NM_001364858.1).
Identifiers: ClinVar variation 3777709 (VCV003777709.1).